The following is an entry in ClinVar:

ClinVar aggregate classification (germline): Uncertain significance (1 of 4 stars; one submission).

Submission:

Labcorp Genetics (formerly Invitae), Labcorp
Classification: Uncertain significance. Last evaluated: 2025-05-07. Review status: criteria provided, single submitter. Criteria: Invitae Variant Classification Sherloc (09022015). Collection method: clinical testing. Allele origin: germline.
Comment: This sequence change replaces threonine, which is neutral and polar, with proline, which is neutral and non-polar, at codon 136 of the CREB3L3 protein (p.Thr136Pro). This variant is not present in population databases (gnomAD no frequency). This variant has not been reported in the literature in individuals affected with CREB3L3-related conditions. Invitae Evidence Modeling of protein sequence and biophysical properties (such as structural, functional, and spatial information, amino acid conservation, physicochemical variation, residue mobility, and thermodynamic stability) indicates that this missense variant is not expected to disrupt CREB3L3 protein function with a negative predictive value of 80%. In summary, the available evidence is currently insufficient to determine the role of this variant in disease. Therefore, it has been classified as a Variant of Uncertain Significance.

NM_032607.3(CREB3L3):c.406A>C (p.Thr136Pro)

Gene: CREB3L3 (cAMP responsive element binding protein 3 like 3; plus strand). Cytogenetic location: 19p13.3.
Variant type: single nucleotide variant.
Coding change: c.406A>C on transcript NM_032607.3 (MANE Select); coding-DNA position 406, A replaced by C.
Protein change: p.Thr136Pro; replaces threonine 136 with proline.
Molecular consequence: missense variant.
Genome position (GRCh38, 1-based): chr19:4,157,244, A>C. VCF-style: chr19-4157244-A-C. GRCh37 (hg19) VCF-style: chr19-4157241-A-C.
Other names: c.403A>C, p.Thr135Pro (NM_001271995.2); c.406A>C, p.Thr136Pro (NM_001271996.2, NM_001271997.2); short protein forms T136P, T135P.
Identifiers: ClinVar variation 4747419 (VCV004747419.1).